The following is an entry in ClinVar:

NM_003839.4(TNFRSF11A):c.752A>G (p.Asn251Ser)

Gene: TNFRSF11A (TNF receptor superfamily member 11a; plus strand). Cytogenetic location: 18q21.33.
Variant type: single nucleotide variant.
Coding change: c.752A>G on transcript NM_003839.4 (MANE Select); coding-DNA position 752, A replaced by G.
Protein change: p.Asn251Ser; replaces asparagine 251 with serine.
Molecular consequence: missense variant. On other transcripts: intron variant (2).
Genome position (GRCh38, 1-based): chr18:62,366,729, A>G. VCF-style: chr18-62366729-A-G. GRCh37 (hg19) VCF-style: chr18-60033962-A-G.
Other names: c.752A>G, p.Asn251Ser (NM_001270949.2); c.710A>G, p.Asn237Ser (NM_001278268.2); c.730+4936A>G (NM_001270950.2); c.616+6680A>G (NM_001270951.2); short protein forms N251S, N237S.
Identifiers: ClinVar variation 2800789 (VCV002800789.3), dbSNP rs2511586258, ClinGen allele CA402615060.

ClinVar aggregate classification (germline): Uncertain significance (1 of 4 stars; one submission).

Submission:

Labcorp Genetics (formerly Invitae), Labcorp
Classification: Uncertain significance. Last evaluated: 2023-05-15. Review status: criteria provided, single submitter. Criteria: Invitae Variant Classification Sherloc (09022015). Collection method: clinical testing. Allele origin: germline.
Comment: This variant is not present in population databases (gnomAD no frequency). This variant has not been reported in the literature in individuals affected with TNFRSF11A-related conditions. Advanced modeling of protein sequence and biophysical properties (such as structural, functional, and spatial information, amino acid conservation, physicochemical variation, residue mobility, and thermodynamic stability) performed at Invitae indicates that this missense variant is not expected to disrupt TNFRSF11A protein function. In summary, the available evidence is currently insufficient to determine the role of this variant in disease. Therefore, it has been classified as a Variant of Uncertain Significance. This sequence change replaces asparagine, which is neutral and polar, with serine, which is neutral and polar, at codon 251 of the TNFRSF11A protein (p.Asn251Ser).